The following is an entry in ClinVar:

ClinVar aggregate classification (germline): Uncertain significance (1 of 4 stars; one submission).

Conditions:
Bloom syndrome (BLM). Also called: Bloom-Torre-Machacek syndrome. Identifiers: Orphanet 125, MedGen C0005859, MONDO:0008876, OMIM 210900.

Submission:

Labcorp Genetics (formerly Invitae), Labcorp
Classification: Uncertain significance for Bloom syndrome. Last evaluated: 2024-04-10. Review status: criteria provided, single submitter. Criteria: Invitae Variant Classification Sherloc (09022015). Collection method: clinical testing. Allele origin: germline.
Comment: This sequence change replaces glycine, which is neutral and non-polar, with tryptophan, which is neutral and slightly polar, at codon 447 of the BLM protein (p.Gly447Trp). This variant is not present in population databases (gnomAD no frequency). This variant has not been reported in the literature in individuals affected with BLM-related conditions. ClinVar contains an entry for this variant (Variation ID: 2119879). Advanced modeling of protein sequence and biophysical properties (such as structural, functional, and spatial information, amino acid conservation, physicochemical variation, residue mobility, and thermodynamic stability) performed at Invitae indicates that this missense variant is not expected to disrupt BLM protein function with a negative predictive value of 80%. In summary, the available evidence is currently insufficient to determine the role of this variant in disease. Therefore, it has been classified as a Variant of Uncertain Significance.

NM_000057.4(BLM):c.1339G>T (p.Gly447Trp)

Gene: BLM (BLM RecQ like helicase; plus strand). Cytogenetic location: 15q26.1.
Variant type: single nucleotide variant.
Coding change: c.1339G>T on transcript NM_000057.4 (MANE Select); coding-DNA position 1339, G replaced by T.
Protein change: p.Gly447Trp; replaces glycine 447 with tryptophan.
Molecular consequence: missense variant.
Genome position (GRCh38, 1-based): chr15:90,760,712, G>T. VCF-style: chr15-90760712-G-T. GRCh37 (hg19) VCF-style: chr15-91303942-G-T.
Other names: c.1339G>T, p.Gly447Trp (NM_001287246.2, NM_001287247.2); c.214G>T, p.Gly72Trp (NM_001287248.2); short protein forms G72W, G447W.
Identifiers: ClinVar variation 2119879 (VCV002119879.4), dbSNP rs1895952553, ClinGen allele CA393842845.